The following is an entry in ClinVar:

NM_001042492.3(NF1):c.7234A>G (p.Ile2412Val)

Gene: NF1 (neurofibromin 1; plus strand). Cytogenetic location: 17q11.2.
Variant type: single nucleotide variant.
Coding change: c.7234A>G on transcript NM_001042492.3 (MANE Select); coding-DNA position 7234, A replaced by G.
Protein change: p.Ile2412Val; replaces isoleucine 2412 with valine.
Molecular consequence: missense variant.
Genome position (GRCh38, 1-based): chr17:31,349,164, A>G. VCF-style: chr17-31349164-A-G. GRCh37 (hg19) VCF-style: chr17-29676182-A-G.
Other names: c.7171A>G, p.Ile2391Val (NM_000267.4); short protein forms I2391V, I2412V.
Identifiers: ClinVar variation 3237924 (VCV003237924.1), dbSNP rs2508800983.
Genomic context (GRCh38, chr17:31,349,164, plus strand): 5'-TGTTTGTTTTTTGTAGGGTACAGGCATCCTTCACCTGCTATTGTTGCAAGAACAGTCAGA[A>G]TTTTACATACACTACTAACTCTGGTTAACAAACACAGAAATTGTGACAAATTTGAAGTGA-3'
Protein context (NP_001035957.1, residues 2402-2422): SPAIVARTVR[Ile2412Val]LHTLLTLVNK

ClinVar aggregate classification (germline): Uncertain significance (1 of 4 stars; one submission).

Conditions:
Hereditary cancer-predisposing syndrome. Also called: Neoplastic Syndromes, Hereditary; Tumor predisposition; Hereditary neoplastic syndrome; Hereditary Cancer Syndrome. Identifiers: Orphanet 140162, MedGen C0027672, MeSH D009386, MONDO:0015356.
Cardiovascular phenotype. Identifiers: MedGen CN230736.

Submission:

Ambry Genetics
Classification: Uncertain significance for Cardiovascular phenotype; Hereditary cancer-predisposing syndrome. Last evaluated: 2023-09-28. Review status: criteria provided, single submitter. Criteria: Ambry Variant Classification Scheme 2023. Collection method: clinical testing. Allele origin: germline.
Comment: The p.I2391V variant (also known as c.7171A>G), located in coding exon 48 of the NF1 gene, results from an A to G substitution at nucleotide position 7171. The isoleucine at codon 2391 is replaced by valine, an amino acid with highly similar properties. This amino acid position is conserved. In addition, this alteration is predicted to be tolerated by in silico analysis. Since supporting evidence is limited at this time, the clinical significance of this alteration remains unclear.